The following is an entry in ClinVar:

ClinVar aggregate classification (germline): Uncertain significance (1 of 4 stars; one submission).

Conditions:
X-linked immunodeficiency with magnesium defect, Epstein-Barr virus infection and neoplasia. Identifiers: Orphanet 317476, MedGen C3275445, MONDO:0010455, OMIM 300853.

Submission:

Labcorp Genetics (formerly Invitae), Labcorp
Classification: Uncertain significance for X-linked immunodeficiency with magnesium defect, Epstein-Barr virus infection and neoplasia. Last evaluated: 2025-10-21. Review status: criteria provided, single submitter. Criteria: Invitae Variant Classification Sherloc (09022015). Collection method: clinical testing. Allele origin: germline.
Comment: This sequence change replaces glycine, which is neutral and non-polar, with alanine, which is neutral and non-polar, at codon 338 of the MAGT1 protein (p.Gly338Ala). This variant is not present in population databases (gnomAD no frequency). This variant has not been reported in the literature in individuals affected with MAGT1-related conditions. Invitae Evidence Modeling of protein sequence and biophysical properties (such as structural, functional, and spatial information, amino acid conservation, physicochemical variation, residue mobility, and thermodynamic stability) indicates that this missense variant is not expected to disrupt MAGT1 protein function with a negative predictive value of 80%. In summary, the available evidence is currently insufficient to determine the role of this variant in disease. Therefore, it has been classified as a Variant of Uncertain Significance.

NM_001367916.1(MAGT1):c.917G>C (p.Gly306Ala)

Gene: MAGT1 (magnesium transporter 1; minus strand). Cytogenetic location: Xq21.1.
Variant type: single nucleotide variant.
Coding change: c.917G>C on transcript NM_001367916.1 (MANE Select); coding-DNA position 917, G replaced by C.
Protein change: p.Gly306Ala; replaces glycine 306 with alanine.
Molecular consequence: missense variant.
Genome position (GRCh38, 1-based): chrX:77,830,880, C>G on the plus strand (G>C on the coding strand, the complement: MAGT1 is on the minus strand). VCF-style: chrX-77830880-C-G. GRCh37 (hg19) VCF-style: chrX-77086377-C-G.
Other names: c.1013G>C, p.Gly338Ala (NM_032121.5); short protein forms G338A, G306A.
Identifiers: ClinVar variation 4771602 (VCV004771602.1).